The following is an entry in ClinVar:

ClinVar aggregate classification (germline): Conflicting classifications of pathogenicity. Review status: criteria provided, conflicting classifications (1 of 4 stars). 13 submissions from 13 submitters: Uncertain significance (2); Benign (6); Likely benign (5). Last evaluated 2026-01-28.

Conditions:
Connective tissue disorder. Also called: Connective tissue disease. Identifiers: MedGen C0009782, MONDO:0003900.
Ehlers-Danlos syndrome (EDS). Identifiers: Orphanet 98249, MedGen C0013720, MONDO:0020066.
Familial thoracic aortic aneurysm and aortic dissection (TAAD). Also called: Thoracic aortic aneurysms and dissections. Identifiers: Orphanet 91387, MedGen C4707243, MONDO:0019625.
Ehlers-Danlos syndrome, type 4 (EDSVASC). Also called: Ehlers-Danlos syndrome vascular type; Ehlers Danlos syndrome, ecchymotic type; Ehlers Danlos syndrome, arterial type; Ehlers Danlos syndrome, Sack-Barabas type; Ehlers-Danlos Syndrome Type IV. Identifiers: Orphanet 286, MedGen C0268338, MONDO:0017314, OMIM 130050.

Allele frequency attached by ClinVar (database versions not stated): gnomAD 0.00023 and 0.00034; TOPMed 0.00046; gnomAD exomes 0.00060; ExAC 0.00061; 1000 Genomes Project 0.00180; 1000 Genomes Project 30x 0.00187.
gnomAD v4.1: 405 of 1,614,000 alleles (0.025%); highest among the groups gnomAD compares: East Asian, 0.58%; 1 homozygote.

Submissions (15):

Labcorp Genetics (formerly Invitae), Labcorp
Classification: Benign for Ehlers-Danlos syndrome, type 4. Last evaluated: 2026-01-28. Review status: criteria provided, single submitter. Criteria: Invitae Variant Classification Sherloc (09022015). Collection method: clinical testing. Allele origin: germline.

Blueprint Genetics
Classification: Likely benign. Last evaluated: 2024-10-11. Review status: criteria provided, single submitter. Criteria: ACMG Guidelines, 2015. Collection method: clinical testing. Allele origin: germline.

CHEO Genetics Diagnostic Laboratory, Children's Hospital of Eastern Ontario
Classification: Benign for Familial thoracic aortic aneurysm and aortic dissection. Last evaluated: 2021-08-11. Review status: criteria provided, single submitter. Criteria: ACMG Guidelines, 2015. Collection method: clinical testing. Allele origin: germline.

Genome Diagnostics Laboratory, The Hospital for Sick Children
Classification: Likely benign for Ehlers-Danlos syndrome. Last evaluated: 2021-02-23. Review status: criteria provided, single submitter. Criteria: ACMG Guidelines, 2015. Collection method: clinical testing. Allele origin: germline.

GeneDx
Classification: Likely benign. Last evaluated: 2021-02-05. Review status: criteria provided, single submitter. Criteria: GeneDx Variant Classification Process June 2021. Collection method: clinical testing. Allele origin: germline. Affected: yes.
Comment: This variant is associated with the following publications: (PMID: 26332594, 22001912, 30115950, 31141158, 32123317)

Mendelics
Classification: Benign for Ehlers-Danlos syndrome, type 4. Last evaluated: 2019-05-28. Review status: criteria provided, single submitter. Criteria: Mendelics Assertion Criteria 2017. Collection method: clinical testing. Allele origin: unknown.

Color Diagnostics, LLC DBA Color Health
Classification: Benign for Familial thoracic aortic aneurysm and aortic dissection. Last evaluated: 2018-10-08. Review status: criteria provided, single submitter. Criteria: ACMG Guidelines, 2015. Collection method: clinical testing. Allele origin: germline.

Illumina Laboratory Services, Illumina
Classification: Benign for Ehlers-Danlos syndrome, type 4. Last evaluated: 2018-06-13. Review status: criteria provided, single submitter. Criteria: ICSL Variant Classification Criteria 13 December 2019. Collection method: clinical testing. Allele origin: germline.
Comment: This variant was observed as part of a predisposition screen in an ostensibly healthy population. A literature search was performed for the gene, cDNA change, and amino acid change (where applicable). Publications were found based on this search. The evidence from the literature, in combination with allele frequency data from public databases where available, was sufficient to rule this variant out of causing disease. Therefore, this variant is classified as benign.

Women's Health and Genetics/Laboratory Corporation of America, LabCorp
Classification: Benign. Last evaluated: 2017-06-12. Review status: criteria provided, single submitter. Criteria: LabCorp Variant Classification Summary - May 2015. Collection method: clinical testing. Allele origin: germline.
Comment: Variant summary: The COL3A1 c.1815+5G>A variant involves the alteration of a conserved intronic nucleotide and 4/5 splice prediction tools predict no significant impact on normal splicing. However, these predictions have yet to be confirmed by functional studies. This variant was found in 74/121588 control chromosomes at a frequency of 0.0006086, which is approximately 487 times the estimated maximal expected allele frequency of a pathogenic COL3A1 variant (0.0000013), suggesting this variant is likely a benign polymorphism, along with multiple clinical diagnostic laboratories classified this variant as likely benign/likely benign. Taken together, this variant is classified as benign.

Ambry Genetics
Classification: Likely benign for Familial thoracic aortic aneurysm and aortic dissection. Last evaluated: 2017-02-24. Review status: criteria provided, single submitter. Criteria: Ambry Variant Classification Scheme 2023. Collection method: clinical testing. Allele origin: germline.

ARUP Laboratories, Molecular Genetics and Genomics, ARUP Laboratories
Classification: Uncertain significance. Last evaluated: 2017-01-06. Review status: criteria provided, single submitter. Criteria: ARUP Molecular Germline Variant Investigation Process. Collection method: clinical testing. Allele origin: germline.

Center for Human Genetics, Inc
Classification: Uncertain significance for Connective tissue disorder. Last evaluated: 2016-11-01. Review status: criteria provided, single submitter. Criteria: ACMG Guidelines, 2015. Collection method: clinical testing. Allele origin: germline. Affected: yes.

Eurofins Ntd Llc (ga)
Classification: Likely benign. Last evaluated: 2015-04-24. Review status: criteria provided, single submitter. Criteria: EGL Classification Definitions 2015. Collection method: clinical testing. Allele origin: germline. Observed: 1 variant allele, 1 heterozygote.

Dr. Peter K. Rogan Lab, Western University
No classification provided (evidence only). Condition: Hepatocellular carcinoma. Review status: no classification provided. Collection method: in vitro. Allele origin: not applicable. Functional consequence: retained intron. Not counted in ClinVar's aggregate classification.

Dr. Peter K. Rogan Lab, Western University
No classification provided (evidence only). Condition: Ovarian cancer. Review status: no classification provided. Collection method: in vitro. Allele origin: not applicable. Functional consequence: retained intron. Not counted in ClinVar's aggregate classification.

Literature cited by the submitters: PubMed 25776230 (cited by Illumina Laboratory Services, Illumina); PubMed 26332594 (cited by Illumina Laboratory Services, Illumina and Ambry Genetics); PubMed 22001912 (cited by 3 submitters).

NM_000090.4(COL3A1):c.1815+5G>A

Gene: COL3A1 (collagen type III alpha 1 chain; plus strand). Cytogenetic location: 2q32.2.
Variant type: single nucleotide variant.
Coding change: c.1815+5G>A on transcript NM_000090.4 (MANE Select); 5 bases into the intron after coding-DNA position 1815, G replaced by A.
Molecular consequence: intron variant.
Genome position (GRCh38, 1-based): chr2:188,997,223, G>A. VCF-style: chr2-188997223-G-A. GRCh37 (hg19) VCF-style: chr2-189861949-G-A.
Identifiers: ClinVar variation 195847 (VCV000195847.40), dbSNP rs146652498, ClinGen allele CA004566.